The following is an entry in ClinVar:

ClinVar aggregate classification (germline): Benign/Likely benign. Review status: criteria provided, multiple submitters, no conflicts (2 of 4 stars). 4 submissions from 4 submitters: Benign (2); Likely benign (2). Last evaluated 2026-05-13.

Allele frequency attached by ClinVar (database versions not stated): gnomAD exomes 0.00026 and 0.00072; ExAC 0.00090; gnomAD 0.00226 and 0.00235; TOPMed 0.00266; ESP Exome Variant Server 0.00292; 1000 Genomes Project 0.00399; 1000 Genomes Project 30x 0.00484.
gnomAD v4.1: 752 of 1,614,074 alleles (0.047%); highest among the groups gnomAD compares: African/African-American, 0.78%; 4 homozygotes.

Submissions (4):

Women's Health and Genetics/Laboratory Corporation of America, LabCorp
Classification: Likely benign. Last evaluated: 2026-05-13. Review status: criteria provided, single submitter. Criteria: LabCorp Variant Classification Summary - May 2015. Collection method: clinical testing. Allele origin: germline.

CeGaT Center for Human Genetics Tuebingen
Classification: Likely benign. Last evaluated: 2026-05-01. Review status: criteria provided, single submitter. Criteria: CeGaT Center For Human Genetics Tuebingen Variant Classification Criteria Version 2. Collection method: clinical testing. Allele origin: germline. Affected: yes. Observed: 4 variant alleles.
Comment: SRCAP: BP4, BP7, BS1

Labcorp Genetics (formerly Invitae), Labcorp
Classification: Benign. Last evaluated: 2025-12-08. Review status: criteria provided, single submitter. Criteria: Invitae Variant Classification Sherloc (09022015). Collection method: clinical testing. Allele origin: germline.

Blueprint Genetics
Classification: Benign. Last evaluated: 2024-11-26. Review status: criteria provided, single submitter. Criteria: ACMG Guidelines, 2015. Collection method: clinical testing. Allele origin: germline.

NM_006662.3(SRCAP):c.9112T>C (p.Leu3038=)

Gene: SRCAP (Snf2 related CREBBP activator protein; plus strand). Cytogenetic location: 16p11.2.
Variant type: single nucleotide variant.
Coding change: c.9112T>C on transcript NM_006662.3 (MANE Select); coding-DNA position 9112, T replaced by C.
Protein change: p.Leu3038=; no amino-acid change (leucine 3038 retained).
Molecular consequence: synonymous variant.
Genome position (GRCh38, 1-based): chr16:30,739,152, T>C. VCF-style: chr16-30739152-T-C. GRCh37 (hg19) VCF-style: chr16-30750473-T-C.
Identifiers: ClinVar variation 711649 (VCV000711649.35), dbSNP rs146017505, ClinGen allele CA8012832.